The following is an entry in ClinVar:

NM_031407.7(HUWE1):c.8323C>T (p.Pro2775Ser)

Gene: HUWE1 (HECT, UBA and WWE domain containing E3 ubiquitin protein ligase 1; minus strand). Cytogenetic location: Xp11.22.
Variant type: single nucleotide variant.
Coding change: c.8323C>T on transcript NM_031407.7 (MANE Select); coding-DNA position 8323, C replaced by T.
Protein change: p.Pro2775Ser; replaces proline 2775 with serine.
Molecular consequence: missense variant.
Genome position (GRCh38, 1-based): chrX:53,554,804, G>A on the plus strand (C>T on the coding strand, the complement: HUWE1 is on the minus strand). VCF-style: chrX-53554804-G-A. GRCh37 (hg19) VCF-style: chrX-53581765-G-A.
Other names: short protein forms P2775S.
Identifiers: ClinVar variation 1703300 (VCV001703300.2), dbSNP rs2523546544, ClinGen allele CA413149833.

ClinVar aggregate classification (germline): Uncertain significance (1 of 4 stars; one submission).

Submission:

GeneDx
Classification: Uncertain significance. Last evaluated: 2022-02-25. Review status: criteria provided, single submitter. Criteria: GeneDx Variant Classification Process June 2021. Collection method: clinical testing. Allele origin: germline. Affected: yes.
Comment: Not observed at significant frequency in large population cohorts (gnomAD); In silico analysis supports that this missense variant does not alter protein structure/function; Has not been previously published as pathogenic or benign to our knowledge